The following is an entry in ClinVar:

NM_005535.3(IL12RB1):c.1238_1239del (p.Cys413fs)

Gene: IL12RB1 (interleukin 12 receptor subunit beta 1; minus strand). Cytogenetic location: 19p13.11.
Variant type: Microsatellite.
Coding change: c.1238_1239del on transcript NM_005535.3 (MANE Select); coding-DNA positions 1238 to 1239, 2 bases deleted (GT; older notation c.1238_1239delGT).
Protein change: p.Cys413fs; shifts the reading frame from cysteine 413.
Molecular consequence: frameshift variant.
Genome position (GRCh38, 1-based): chr19:18,068,477-18,068,478, AC deleted on the plus strand (GT on the coding strand, the reverse complement: IL12RB1 is on the minus strand); deleting any 2 consecutive bases within chr19:18,068,477-18,068,480 gives the same sequence; the c. name uses the placement nearest the transcript's 3' end. VCF-style (leftmost placement, unchanged base first): chr19-18068476-AAC-A. GRCh37 (hg19) VCF-style: chr19-18179286-AAC-A.
Other names: c.1238_1239del, p.Cys413fs (NM_001290023.2); c.1356_1357GT[1], p.Cys453Leufs (NM_001290024.2); short protein forms C413fs, C453fs.
Identifiers: ClinVar variation 1687504 (VCV001687504.1), dbSNP rs2146200643, ClinGen allele CA2580613089.

ClinVar aggregate classification (germline): Pathogenic (1 of 4 stars; one submission).

Conditions:
Mendelian susceptibility to mycobacterial diseases due to complete IL12RB1 deficiency. Also called: IL12RB1 DEFICIENCY; Immunodeficiency 30. Identifiers: Orphanet 319552, MedGen C4013949, MONDO:0013955, OMIM 614891.

Submission:

3billion
Classification: Pathogenic for Mendelian susceptibility to mycobacterial diseases due to complete IL12RB1 deficiency. Last evaluated: 2022-05-22. Review status: criteria provided, single submitter. Criteria: ACMG Guidelines, 2015. Collection method: clinical testing. Allele origin: germline. Affected: yes. Observed: 1 homozygote.
Comment: The variant is not observed in the gnomAD v2.1.1 dataset. Frameshift: predicted to result in a loss or disruption of normal protein function through nonsense-mediated decay (NMD) or protein truncation. Multiple pathogenic variants are reported downstream of the variant. Therefore, this variant is classified as pathogenic according to the recommendation of ACMG/AMP guideline.